The following is an entry in ClinVar:

NM_007098.4(CLTCL1):c.2760C>G (p.Ala920=)

Gene: CLTCL1 (clathrin heavy chain like 1; minus strand). Cytogenetic location: 22q11.21.
Variant type: single nucleotide variant.
Coding change: c.2760C>G on transcript NM_007098.4 (MANE Select); coding-DNA position 2760, C replaced by G.
Protein change: p.Ala920=; no amino-acid change (alanine 920 retained).
Molecular consequence: synonymous variant.
Genome position (GRCh38, 1-based): chr22:19,221,413, G>C on the plus strand (C>G on the coding strand, the complement: CLTCL1 is on the minus strand). VCF-style: chr22-19221413-G-C. GRCh37 (hg19) VCF-style: chr22-19208936-G-C.
Other names: c.2760C>G, p.Ala920= (NM_001835.4).
Identifiers: ClinVar variation 3040473 (VCV003040473.2), dbSNP rs925504536, ClinGen allele CA513012919.

ClinVar aggregate classification (germline): Likely benign (0 of 4 stars; one submission).

Conditions:
CLTCL1-related disorder. Also called: CLTCL1-related condition.

Allele frequency attached by ClinVar (database versions not stated): gnomAD 0.00001.

Submission:

PreventionGenetics, part of Exact Sciences
Classification: Likely benign for CLTCL1-related condition. Last evaluated: 2019-09-17. Review status: no assertion criteria provided. Collection method: clinical testing. Allele origin: germline.
Comment: This variant is classified as likely benign based on ACMG/AMP sequence variant interpretation guidelines (Richards et al. 2015 PMID: 25741868, with internal and published modifications).